The following is an entry in ClinVar:

NM_020975.6(RET):c.320A>G (p.Glu107Gly)

Gene: RET (ret proto-oncogene; plus strand). Cytogenetic location: 10q11.21.
Variant type: single nucleotide variant.
Coding change: c.320A>G on transcript NM_020975.6 (MANE Select); coding-DNA position 320, A replaced by G.
Protein change: p.Glu107Gly; replaces glutamic acid 107 with glycine.
Molecular consequence: missense variant.
Genome position (GRCh38, 1-based): chr10:43,100,705, A>G. VCF-style: chr10-43100705-A-G. GRCh37 (hg19) VCF-style: chr10-43596153-A-G.
Other names: c.320A>G, p.Glu107Gly (NM_000323.2, NM_001406743.1, NM_001406744.1 and 34 more transcripts); short protein forms E107G.
Identifiers: ClinVar variation 1435924 (VCV001435924.9), dbSNP rs2132665054, ClinGen allele CA376770567.

ClinVar aggregate classification (germline): Uncertain significance (1 of 4 stars; one submission).

Conditions:
Multiple endocrine neoplasia, type 2 (MEN2). Identifiers: Orphanet 653, MedGen C4048306, MONDO:0019003. Disease mechanism: gain of function.

Submission:

Labcorp Genetics (formerly Invitae), Labcorp
Classification: Uncertain significance for Multiple endocrine neoplasia, type 2. Last evaluated: 2021-03-13. Review status: criteria provided, single submitter. Criteria: Invitae Variant Classification Sherloc (09022015). Collection method: clinical testing. Allele origin: germline.
Comment: In summary, the available evidence is currently insufficient to determine the role of this variant in disease. Therefore, it has been classified as a Variant of Uncertain Significance. Algorithms developed to predict the effect of missense changes on protein structure and function (SIFT, PolyPhen-2, Align-GVGD) all suggest that this variant is likely to be tolerated, but these predictions have not been confirmed by published functional studies and their clinical significance is uncertain. This variant has not been reported in the literature in individuals with RET-related conditions. This variant is not present in population databases (ExAC no frequency). This sequence change replaces glutamic acid with glycine at codon 107 of the RET protein (p.Glu107Gly). The glutamic acid residue is weakly conserved and there is a moderate physicochemical difference between glutamic acid and glycine.